The following is an entry in ClinVar:

NM_000195.5(HPS1):c.329A>T (p.Tyr110Phe)

Gene: HPS1 (HPS1 biogenesis of lysosomal organelles complex 3 subunit 1; minus strand). Cytogenetic location: 10q24.2.
Variant type: single nucleotide variant.
Coding change: c.329A>T on transcript NM_000195.5 (MANE Select); coding-DNA position 329, A replaced by T.
Protein change: p.Tyr110Phe; replaces tyrosine 110 with phenylalanine.
Molecular consequence: missense variant. On other transcripts: 5 prime UTR variant (2), intron variant (7).
Genome position (GRCh38, 1-based): chr10:98,435,341, T>A on the plus strand (A>T on the coding strand, the complement: HPS1 is on the minus strand). VCF-style: chr10-98435341-T-A. GRCh37 (hg19) VCF-style: chr10-100195098-T-A.
Other names: c.-588A>T (NM_001311345.2); c.329A>T, p.Tyr110Phe (NM_001322476.2, NM_001322477.2, NM_001322478.2 and 5 more transcripts); c.-687A>T (NM_001322487.2); c.29+294A>T (NM_001322483.2, NM_001322485.2, NM_001322484.2); c.255+294A>T (NM_001322480.2, NM_001322482.2, NM_001322481.2); c.-519+294A>T (NM_001322489.2); short protein forms Y110F.
Identifiers: ClinVar variation 1414901 (VCV001414901.4), dbSNP rs749883025, ClinGen allele CA5639428.

ClinVar aggregate classification (germline): Uncertain significance. Review status: criteria provided, multiple submitters, no conflicts (2 of 4 stars). 2 submissions from 2 submitters: Uncertain significance (2). Last evaluated 2024-01-13.

Conditions:
Hermansky-Pudlak syndrome 1 (HPS1). Also called: DELTA STORAGE POOL DISEASE. Identifiers: Orphanet 231500, Orphanet 79430, MedGen C2931875, MONDO:0008748, OMIM 203300.

Allele frequency attached by ClinVar (database versions not stated): gnomAD 0.00001.
gnomAD v4.1: 24 of 1,613,330 alleles (0.0015%); highest among the groups gnomAD compares: Non-Finnish European, 0.0019%; no homozygotes.

Submissions (2):

Fulgent Genetics
Classification: Uncertain significance for Hermansky-Pudlak syndrome 1. Last evaluated: 2024-01-13. Review status: criteria provided, single submitter. Criteria: ACMG Guidelines, 2015. Collection method: clinical testing. Allele origin: germline.

Labcorp Genetics (formerly Invitae), Labcorp
Classification: Uncertain significance. Last evaluated: 2021-12-13. Review status: criteria provided, single submitter. Criteria: Invitae Variant Classification Sherloc (09022015). Collection method: clinical testing. Allele origin: germline.
Comment: This sequence change replaces tyrosine, which is neutral and polar, with phenylalanine, which is neutral and non-polar, at codon 110 of the HPS1 protein (p.Tyr110Phe). This variant is present in population databases (rs749883025, gnomAD 0.002%). This variant has not been reported in the literature in individuals affected with HPS1-related conditions. Algorithms developed to predict the effect of missense changes on protein structure and function (SIFT, PolyPhen-2, Align-GVGD) all suggest that this variant is likely to be tolerated. In summary, the available evidence is currently insufficient to determine the role of this variant in disease. Therefore, it has been classified as a Variant of Uncertain Significance.